The following is an entry in ClinVar:

ClinVar aggregate classification (germline): Uncertain significance (1 of 4 stars; one submission).

Conditions:
Vici syndrome (VICIS). Identifiers: Orphanet 1493, MedGen C1855772, MONDO:0009452, OMIM 242840.

Allele frequency attached by ClinVar (database versions not stated): gnomAD exomes below 0.00001.
gnomAD v4.1: 2 of 1,614,250 alleles (0.00012%); highest among the groups gnomAD compares: Admixed American, 0.0017%; no homozygotes.

Submission:

Labcorp Genetics (formerly Invitae), Labcorp
Classification: Uncertain significance for Vici syndrome. Last evaluated: 2022-02-11. Review status: criteria provided, single submitter. Criteria: Invitae Variant Classification Sherloc (09022015). Collection method: clinical testing. Allele origin: germline.
Comment: In summary, the available evidence is currently insufficient to determine the role of this variant in disease. Therefore, it has been classified as a Variant of Uncertain Significance. Algorithms developed to predict the effect of missense changes on protein structure and function are either unavailable or do not agree on the potential impact of this missense change (SIFT: "Deleterious"; PolyPhen-2: "Benign"; Align-GVGD: "Class C0"). This variant has not been reported in the literature in individuals affected with EPG5-related conditions. This variant is present in population databases (no rsID available, gnomAD 0.003%). This sequence change replaces glutamine, which is neutral and polar, with arginine, which is basic and polar, at codon 2260 of the EPG5 protein (p.Gln2260Arg).

NM_020964.3(EPG5):c.6779A>G (p.Gln2260Arg)

Gene: EPG5 (ectopic P-granules 5 autophagy tethering factor; minus strand). Cytogenetic location: 18q12.3.
Variant type: single nucleotide variant.
Coding change: c.6779A>G on transcript NM_020964.3 (MANE Select); coding-DNA position 6779, A replaced by G.
Protein change: p.Gln2260Arg; replaces glutamine 2260 with arginine.
Molecular consequence: missense variant.
Genome position (GRCh38, 1-based): chr18:45,860,334, T>C on the plus strand (A>G on the coding strand, the complement: EPG5 is on the minus strand). VCF-style: chr18-45860334-T-C. GRCh37 (hg19) VCF-style: chr18-43440299-T-C.
Other names: c.6779A>G, p.Gln2260Arg (NM_001410858.1); c.6776A>G, p.Gln2259Arg (NM_001410859.1); short protein forms Q2259R, Q2260R.
Identifiers: ClinVar variation 1962667 (VCV001962667.5), dbSNP rs1161045934, ClinGen allele CA402337878.